The following is an entry in ClinVar:

NM_001370259.2(MEN1):c.1666G>A (p.Glu556Lys)

Gene: MEN1 (menin 1; minus strand). Cytogenetic location: 11q13.1.
Variant type: single nucleotide variant.
Coding change: c.1666G>A on transcript NM_001370259.2 (MANE Select); coding-DNA position 1666, G replaced by A.
Protein change: p.Glu556Lys; replaces glutamic acid 556 with lysine.
Molecular consequence: missense variant. On other transcripts: non-coding transcript variant (4).
Genome position (GRCh38, 1-based): chr11:64,804,501, C>T on the plus strand (G>A on the coding strand, the complement: MEN1 is on the minus strand). VCF-style: chr11-64804501-C-T. GRCh37 (hg19) VCF-style: chr11-64571973-C-T.
Other names: c.1681G>A, p.Glu561Lys (NM_000244.4, NM_001407145.1, NM_130800.3 and 4 more transcripts); c.1792G>A, p.Glu598Lys (NM_001370251.2, NM_001407142.1, NM_001407143.1 and 1 more transcripts); c.1666G>A, p.Glu556Lys (NM_001370260.2, NM_001407146.1, NM_001407147.1 and 2 more transcripts); c.1561G>A, p.Glu521Lys (NM_001370263.2, NM_001407148.1, NM_001407149.1 and 1 more transcripts); c.1807G>A, p.Glu603Lys (NM_001407150.1); c.1687G>A, p.Glu563Lys (NM_001407151.1); c.1501G>A, p.Glu501Lys (NM_001407152.1); short protein forms E501K, E521K, E556K, E561K, E563K, E598K, E603K.
Identifiers: ClinVar variation 3072392 (VCV003072392.4), dbSNP rs1114167501, ClinGen allele CA381177794.

ClinVar aggregate classification (germline): Uncertain significance. Review status: criteria provided, multiple submitters, no conflicts (2 of 4 stars). 3 submissions from 3 submitters: Uncertain significance (3). Last evaluated 2026-01-05.

Conditions:
Hereditary cancer-predisposing syndrome. Also called: Hereditary neoplastic syndrome; Neoplastic Syndromes, Hereditary; Tumor predisposition; Hereditary Cancer Syndrome. Identifiers: Orphanet 140162, MedGen C0027672, MeSH D009386, MONDO:0015356.
Multiple endocrine neoplasia, type 1 (MEN1). Also called: MEN I; WERMER SYNDROME; Endocrine adenomatosis multiple; MEN 1; MEA I. Identifiers: Orphanet 652, MedGen C0025267, MeSH D018761, MONDO:0007540, OMIM 131100.

Submissions (3):

Labcorp Genetics (formerly Invitae), Labcorp
Classification: Uncertain significance for Multiple endocrine neoplasia, type 1. Last evaluated: 2026-01-05. Review status: criteria provided, single submitter. Criteria: Invitae Variant Classification Sherloc (09022015). Collection method: clinical testing. Allele origin: germline.
Comment: This sequence change replaces glutamic acid, which is acidic and polar, with lysine, which is basic and polar, at codon 556 of the MEN1 protein (p.Glu556Lys). This variant is not present in population databases (gnomAD no frequency). This variant has not been reported in the literature in individuals affected with MEN1-related conditions. ClinVar contains an entry for this variant (Variation ID: 3072392). Invitae Evidence Modeling of protein sequence and biophysical properties (such as structural, functional, and spatial information, amino acid conservation, physicochemical variation, residue mobility, and thermodynamic stability) has been performed for this missense variant. However, the output from this modeling did not meet the statistical confidence thresholds required to predict the impact of this variant on MEN1 protein function. In summary, the available evidence is currently insufficient to determine the role of this variant in disease. Therefore, it has been classified as a Variant of Uncertain Significance.

All of Us Research Program, National Institutes of Health
Classification: Uncertain significance for Multiple endocrine neoplasia, type 1. Last evaluated: 2024-07-10. Review status: criteria provided, single submitter. Criteria: ACMG Guidelines, 2015. Collection method: clinical testing. Allele origin: germline. Inheritance: Autosomal dominant inheritance. Observed: 2 variant alleles, 2 heterozygotes.
Comment: This missense variant replaces glutamic acid with lysine at codon 556 of the MEN1 protein. Computational prediction suggests that this variant may have deleterious impact on protein structure and function (internally defined REVEL score threshold >= 0.7, PMID: 27666373). To our knowledge, functional studies have not been reported for this variant. This variant has not been reported in individuals affected with MEN1-related disorders in the literature. This variant has not been identified in the general population by the Genome Aggregation Database (gnomAD). The available evidence is insufficient to determine the role of this variant in disease conclusively. Therefore, this variant is classified as a Variant of Uncertain Significance.

This study involves interpretation of variants in research participants for the purpose of population health screening. Participant phenotype was not available at the time of variant classification. Additional details can be found in publication PMID: 35346344, PMCID: PMC8962531

Ambry Genetics
Classification: Uncertain significance for Hereditary cancer-predisposing syndrome. Last evaluated: 2023-10-16. Review status: criteria provided, single submitter. Criteria: Ambry Variant Classification Scheme 2023. Collection method: clinical testing. Allele origin: germline.
Comment: The p.E556K variant (also known as c.1666G>A), located in coding exon 9 of the MEN1 gene, results from a G to A substitution at nucleotide position 1666. The glutamic acid at codon 556 is replaced by lysine, an amino acid with similar properties. This amino acid position is well conserved in available vertebrate species. In addition, this alteration is predicted to be deleterious by in silico analysis. Since supporting evidence is limited at this time, the clinical significance of this alteration remains unclear.